The following is an entry in ClinVar:

NM_032444.4(SLX4):c.5228C>T (p.Ser1743Leu)

Gene: SLX4 (SLX4 structure-specific endonuclease subunit; minus strand). Cytogenetic location: 16p13.3.
Variant type: single nucleotide variant.
Coding change: c.5228C>T on transcript NM_032444.4 (MANE Select); coding-DNA position 5228, C replaced by T.
Protein change: p.Ser1743Leu; replaces serine 1743 with leucine.
Molecular consequence: missense variant.
Genome position (GRCh38, 1-based): chr16:3,582,619, G>A on the plus strand (C>T on the coding strand, the complement: SLX4 is on the minus strand). VCF-style: chr16-3582619-G-A. GRCh37 (hg19) VCF-style: chr16-3632620-G-A.
Other names: short protein forms S1743L.
Identifiers: ClinVar variation 1371379 (VCV001371379.6), dbSNP rs144057906, ClinGen allele CA7865372.
Genomic context (GRCh38, chr16:3,582,619, plus strand): 5'-TTGGAGCGGATGTAGCACCTCAGCGCCTCGTCTGTGTCCGCCGCCTGCACGGCTGCCTGC[G>A]AGGCACTGACCTCCCCCTCGCCCTCCTCTTCACCTGCAGACTCAAATGCCGCTCCAAACT-3'
Protein context (NP_115820.2, residues 1733-1753): EEEGEGEVSA[Ser1743Leu]QAAVQAADTD

ClinVar aggregate classification (germline): Uncertain significance. Review status: criteria provided, multiple submitters, no conflicts (2 of 4 stars). 2 submissions from 2 submitters: Uncertain significance (2). Last evaluated 2024-06-09.

Conditions:
Fanconi anemia complementation group P. Also called: SLX4-Related Fanconi Anemia. Identifiers: Orphanet 84, MedGen C3469542, MONDO:0013499, OMIM 613951.
Fanconi anemia (FA). Also called: Fanconi's anemia. Identifiers: Orphanet 84, MedGen C0015625, MeSH D005199, MONDO:0019391.

Allele frequency attached by ClinVar (database versions not stated): ExAC 0.00002; gnomAD exomes 0.00002; TOPMed 0.00002; gnomAD 0.00003; ESP Exome Variant Server 0.00008.

Submissions (2):

Fulgent Genetics
Classification: Uncertain significance for Fanconi anemia complementation group P. Last evaluated: 2024-06-09. Review status: criteria provided, single submitter. Criteria: ACMG Guidelines, 2015. Collection method: clinical testing. Allele origin: germline.

Labcorp Genetics (formerly Invitae), Labcorp
Classification: Uncertain significance for Fanconi anemia. Last evaluated: 2024-01-14. Review status: criteria provided, single submitter. Criteria: Invitae Variant Classification Sherloc (09022015). Collection method: clinical testing. Allele origin: germline.
Comment: This sequence change replaces serine, which is neutral and polar, with leucine, which is neutral and non-polar, at codon 1743 of the SLX4 protein (p.Ser1743Leu). This variant is present in population databases (rs144057906, gnomAD 0.008%). This missense change has been observed in individual(s) with breast cancer (PMID: 30613976). ClinVar contains an entry for this variant (Variation ID: 1371379). An algorithm developed to predict the effect of missense changes on protein structure and function (PolyPhen-2) suggests that this variant is likely to be disruptive. In summary, the available evidence is currently insufficient to determine the role of this variant in disease. Therefore, it has been classified as a Variant of Uncertain Significance.

Literature cited by the submitters: PubMed 30613976 (cited by Labcorp Genetics (formerly Invitae), Labcorp).